The following is an entry in ClinVar:

NM_001458.5(FLNC):c.1927A>C (p.Ile643Leu)

Gene: FLNC (filamin C; plus strand). Cytogenetic location: 7q32.1.
Variant type: single nucleotide variant.
Coding change: c.1927A>C on transcript NM_001458.5 (MANE Select); coding-DNA position 1927, A replaced by C.
Protein change: p.Ile643Leu; replaces isoleucine 643 with leucine.
Molecular consequence: missense variant.
Genome position (GRCh38, 1-based): chr7:128,841,283, A>C. VCF-style: chr7-128841283-A-C. GRCh37 (hg19) VCF-style: chr7-128481337-A-C.
Other names: c.1927A>C, p.Ile643Leu (NM_001127487.2); short protein forms I643L.
Identifiers: ClinVar variation 1489987 (VCV001489987.8), dbSNP rs1808322583, ClinGen allele CA369227379.

ClinVar aggregate classification (germline): Uncertain significance (1 of 4 stars; one submission).

Conditions:
Myofibrillar myopathy 5. Also called: FILAMINOPATHY, AUTOSOMAL DOMINANT; Filaminopathy (type). Identifiers: Orphanet 171445, MedGen C1836050, MONDO:0012289, OMIM 609524.
Distal myopathy with posterior leg and anterior hand involvement. Also called: WILLIAMS DISTAL MYOPATHY. Identifiers: Orphanet 63273, MedGen C3279722, MONDO:0013550, OMIM 614065.
Hypertrophic cardiomyopathy 26. Also called: Cardiomyopathy, familial hypertrophic, 26. Identifiers: Orphanet 75249, MedGen C4310749, MONDO:0014883, OMIM 617047.

Submission:

Labcorp Genetics (formerly Invitae), Labcorp
Classification: Uncertain significance for Distal myopathy with posterior leg and anterior hand involvement; Myofibrillar myopathy 5; Hypertrophic cardiomyopathy 26. Last evaluated: 2021-05-19. Review status: criteria provided, single submitter. Criteria: Invitae Variant Classification Sherloc (09022015). Collection method: clinical testing. Allele origin: germline.
Comment: This variant is not present in population databases (ExAC no frequency). This sequence change replaces isoleucine with leucine at codon 643 of the FLNC protein (p.Ile643Leu). The isoleucine residue is moderately conserved and there is a small physicochemical difference between isoleucine and leucine. In summary, the available evidence is currently insufficient to determine the role of this variant in disease. Therefore, it has been classified as a Variant of Uncertain Significance. Algorithms developed to predict the effect of missense changes on protein structure and function (SIFT, PolyPhen-2, Align-GVGD) all suggest that this variant is likely to be tolerated, but these predictions have not been confirmed by published functional studies and their clinical significance is uncertain. This variant has not been reported in the literature in individuals with FLNC-related conditions.